The following is an entry in ClinVar:

ClinVar aggregate classification (germline): Conflicting classifications of pathogenicity. Review status: criteria provided, conflicting classifications (1 of 4 stars). 7 submissions from 7 submitters: Uncertain significance (5); Likely benign (2). Last evaluated 2026-07-10.

Conditions:
Familial thoracic aortic aneurysm and aortic dissection (TAAD). Also called: Thoracic aortic aneurysms and dissections. Identifiers: Orphanet 91387, MedGen C4707243, MONDO:0019625.
Ehlers-Danlos syndrome, type 4 (EDSVASC). Also called: Ehlers-Danlos Syndrome Type IV; Ehlers-Danlos syndrome vascular type; Ehlers Danlos syndrome, ecchymotic type; Ehlers Danlos syndrome, arterial type; Ehlers Danlos syndrome, Sack-Barabas type. Identifiers: Orphanet 286, MedGen C0268338, MONDO:0017314, OMIM 130050.

Allele frequency attached by ClinVar (database versions not stated): gnomAD 0.00001 and 0.00002; TOPMed 0.00002.
gnomAD v4.1: 33 of 1,613,478 alleles (0.002%); highest among the groups gnomAD compares: Middle Eastern, 0.017%; no homozygotes.

Submissions (7):

Ambry Genetics
Classification: Likely benign for Familial thoracic aortic aneurysm and aortic dissection. Last evaluated: 2026-07-10. Review status: criteria provided, single submitter. Criteria: Ambry Variant Classification Scheme 2023. Collection method: clinical testing. Allele origin: germline.

Labcorp Genetics (formerly Invitae), Labcorp
Classification: Uncertain significance for Ehlers-Danlos syndrome, type 4. Last evaluated: 2025-12-27. Review status: criteria provided, single submitter. Criteria: Invitae Variant Classification Sherloc (09022015). Collection method: clinical testing. Allele origin: germline.
Comment: This sequence change replaces arginine, which is basic and polar, with glutamine, which is neutral and polar, at codon 428 of the COL3A1 protein (p.Arg428Gln). This variant is present in population databases (no rsID available, gnomAD 0.02%). This variant has not been reported in the literature in individuals affected with COL3A1-related conditions. ClinVar contains an entry for this variant (Variation ID: 872591). Invitae Evidence Modeling of protein sequence and biophysical properties (such as structural, functional, and spatial information, amino acid conservation, physicochemical variation, residue mobility, and thermodynamic stability) indicates that this missense variant is not expected to disrupt COL3A1 protein function with a negative predictive value of 95%. In summary, the available evidence is currently insufficient to determine the role of this variant in disease. Therefore, it has been classified as a Variant of Uncertain Significance.

Blueprint Genetics
Classification: Likely benign. Last evaluated: 2024-09-24. Review status: criteria provided, single submitter. Criteria: ACMG Guidelines, 2015. Collection method: clinical testing. Allele origin: germline.

Color Diagnostics, LLC DBA Color Health
Classification: Uncertain significance for Familial thoracic aortic aneurysm and aortic dissection. Last evaluated: 2024-03-06. Review status: criteria provided, single submitter. Criteria: ACMG Guidelines, 2015. Collection method: clinical testing. Allele origin: germline.
Comment: This missense variant replaces arginine with glutamine at codon 428 of the COL3A1 protein. Computational prediction suggests that this variant may not impact protein structure and function (internally defined REVEL score threshold <= 0.5, PMID: 27666373). To our knowledge, functional studies have not been reported for this variant. This variant has not been reported in individuals affected with cardiovascular disorders in the literature. This variant has been identified in 9/282540 chromosomes in the general population by the Genome Aggregation Database (gnomAD). The available evidence is insufficient to determine the role of this variant in disease conclusively. Therefore, this variant is classified as a Variant of Uncertain Significance.

All of Us Research Program, National Institutes of Health
Classification: Uncertain significance for Ehlers-Danlos syndrome, type 4. Last evaluated: 2023-12-01. Review status: criteria provided, single submitter. Criteria: ACMG Guidelines, 2015. Collection method: clinical testing. Allele origin: germline. Inheritance: Autosomal dominant inheritance. Observed: 9 variant alleles, 9 heterozygotes.
Comment: This missense variant replaces arginine with glutamine at codon 428 of the COL3A1 protein. Computational prediction suggests that this variant may not impact protein structure and function (internally defined REVEL score threshold <= 0.5, PMID: 27666373). To our knowledge, functional studies have not been reported for this variant. This variant has not been reported in individuals affected with cardiovascular disorders in the literature. This variant has been identified in 9/282540 chromosomes in the general population by the Genome Aggregation Database (gnomAD). The available evidence is insufficient to determine the role of this variant in disease conclusively. Therefore, this variant is classified as a Variant of Uncertain Significance.

This study involves interpretation of variants in research participants for the purpose of population health screening. Participant phenotype was not available at the time of variant classification. Additional details can be found in publication PMID: 35346344, PMCID: PMC8962531

CeGaT Center for Human Genetics Tuebingen
Classification: Uncertain significance. Last evaluated: 2019-07-01. Review status: criteria provided, single submitter. Criteria: CeGaT Center For Human Genetics Tuebingen Variant Classification Criteria Version 2. Collection method: clinical testing. Allele origin: germline. Affected: yes. Observed: 1 variant allele.

GeneDx
Classification: Uncertain significance. Last evaluated: 2019-01-15. Review status: criteria provided, single submitter. Criteria: GeneDx Variant Classification Process June 2021. Collection method: clinical testing. Allele origin: germline. Affected: yes.
Comment: In silico analysis, which includes protein predictors and evolutionary conservation, supports that this variant does not alter protein structure/function; The variant has not been published as pathogenic or been reported as benign to our knowledge.; The R428Q variant does not affect a Glycine residue in a Gly-X-Y motif in the triple helical region of the COL3A1 gene, where the majority of pathogenic missense variants occur (Stenson et al., 2014).

NM_000090.4(COL3A1):c.1283G>A (p.Arg428Gln)

Gene: COL3A1 (collagen type III alpha 1 chain; plus strand). Cytogenetic location: 2q32.2.
Variant type: single nucleotide variant.
Coding change: c.1283G>A on transcript NM_000090.4 (MANE Select); coding-DNA position 1283, G replaced by A.
Protein change: p.Arg428Gln; replaces arginine 428 with glutamine.
Molecular consequence: missense variant.
Genome position (GRCh38, 1-based): chr2:188,994,322, G>A. VCF-style: chr2-188994322-G-A. GRCh37 (hg19) VCF-style: chr2-189859048-G-A.
Other names: short protein forms R428Q.
Identifiers: ClinVar variation 872591 (VCV000872591.54), dbSNP rs1021622002, ClinGen allele CA62595449.
Genomic context (GRCh38, chr2:188,994,322, plus strand): 5'-GACTGATGGGAGCCCGGGGTCCTCCAGGACCAGCCGGTGCTAATGGTGCTCCTGGACTGC[G>A]AGGTGGTGCAGTAAGTTGCCTTGTTTTTTCTCTGTTGACTGAAAGGTATAGTTTAATTCC-3'
Protein context (NP_000081.2, residues 418-438): PAGANGAPGL[Arg428Gln]GGAGEPGKNG